The following is an entry in ClinVar:

NM_005618.4(DLL1):c.1753G>C (p.Gly585Arg)

Gene: DLL1 (delta like canonical Notch ligand 1; minus strand). Cytogenetic location: 6q27.
Variant type: single nucleotide variant.
Coding change: c.1753G>C on transcript NM_005618.4 (MANE Select); coding-DNA position 1753, G replaced by C.
Protein change: p.Gly585Arg; replaces glycine 585 with arginine.
Molecular consequence: missense variant.
Genome position (GRCh38, 1-based): chr6:170,283,526, C>G on the plus strand (G>C on the coding strand, the complement: DLL1 is on the minus strand). VCF-style: chr6-170283526-C-G. GRCh37 (hg19) VCF-style: chr6-170592614-C-G.
Other names: short protein forms G585R.
Identifiers: ClinVar variation 1984234 (VCV001984234.4), dbSNP rs202029364, ClinGen allele CA4106734.

ClinVar aggregate classification (germline): Uncertain significance (1 of 4 stars; one submission).

Allele frequency attached by ClinVar (database versions not stated): 1000 Genomes Project 30x 0.00016; 1000 Genomes Project 0.00020.
gnomAD v4.1: 15 of 1,613,722 alleles (0.00093%); highest among the groups gnomAD compares: Admixed American, 0.017%; no homozygotes.

Submission:

Labcorp Genetics (formerly Invitae), Labcorp
Classification: Uncertain significance. Last evaluated: 2025-12-18. Review status: criteria provided, single submitter. Criteria: Invitae Variant Classification Sherloc (09022015). Collection method: clinical testing. Allele origin: germline.
Comment: This sequence change replaces glycine, which is neutral and non-polar, with arginine, which is basic and polar, at codon 585 of the DLL1 protein (p.Gly585Arg). This variant is present in population databases (rs202029364, gnomAD 0.03%). This variant has not been reported in the literature in individuals affected with DLL1-related conditions. ClinVar contains an entry for this variant (Variation ID: 1984234). An algorithm developed to predict the effect of missense changes on protein structure and function (PolyPhen-2) suggests that this variant is likely to be disruptive. In summary, the available evidence is currently insufficient to determine the role of this variant in disease. Therefore, it has been classified as a Variant of Uncertain Significance.